The following is an entry in ClinVar:

ClinVar aggregate classification (germline): Uncertain significance. Review status: criteria provided, multiple submitters, no conflicts (2 of 4 stars). 2 submissions from 2 submitters: Uncertain significance (2). Last evaluated 2025-09-04.

Conditions:
Rubinstein-Taybi syndrome due to CREBBP mutations (RSTS1). Also called: RUBINSTEIN SYNDROME; CREBBP-Related Rubinstein-Taybi Syndrome; RUBINSTEIN-TAYBI SYNDROME 1, INCOMPLETE; BROAD THUMB-HALLUX SYNDROME; BROAD THUMBS AND GREAT TOES, CHARACTERISTIC FACIES, AND IMPAIRED INTELLECTUAL DEVELOPMENT; Rubinstein-Taybi syndrome 1. Identifiers: Orphanet 353277, Orphanet 783, MedGen C4551859, MONDO:0008393, OMIM 180849.
CREBBP-related disorder. Also called: CREBBP-related condition; CREBBP-related disorders.

Submissions (2):

3billion
Classification: Uncertain significance for Rubinstein-Taybi syndrome due to CREBBP mutations. Last evaluated: 2025-09-04. Review status: criteria provided, single submitter. Criteria: ACMG Guidelines, 2015. Collection method: clinical testing. Allele origin: germline. Affected: yes.
Comment: The variant is not observed in the gnomAD v4.1.0 dataset. Predicted Consequence/Location: Missense variant In silico tool predictions suggest damaging effect of the variant on gene or gene product [REVEL: 0.62 (>=0.6, sensitivity 0.68 and specificity 0.92)]. Therefore, this variant is classified as VUS according to the recommendation of ACMG/AMP guideline.

PreventionGenetics, part of Exact Sciences
Classification: Uncertain significance for CREBBP-related condition. Last evaluated: 2025-05-12. Review status: criteria provided, single submitter. Criteria: ACMG Guidelines, 2015. Collection method: clinical testing. Allele origin: germline.
Comment: The CREBBP c.2378T>G variant is predicted to result in the amino acid substitution p.Phe793Cys. To our knowledge, this variant has not been reported in the literature or in a large population database (gnomAD), indicating this variant is rare. At this time, the clinical significance of this variant is uncertain due to the absence of conclusive functional and genetic evidence.

NM_004380.3(CREBBP):c.2378T>G (p.Phe793Cys)

Gene: CREBBP (CREB binding lysine acetyltransferase; minus strand). Cytogenetic location: 16p13.3.
Variant type: single nucleotide variant.
Coding change: c.2378T>G on transcript NM_004380.3 (MANE Select); coding-DNA position 2378, T replaced by G.
Protein change: p.Phe793Cys; replaces phenylalanine 793 with cysteine.
Molecular consequence: missense variant.
Genome position (GRCh38, 1-based): chr16:3,773,836, A>C on the plus strand (T>G on the coding strand, the complement: CREBBP is on the minus strand). VCF-style: chr16-3773836-A-C. GRCh37 (hg19) VCF-style: chr16-3823837-A-C.
Other names: c.2264T>G, p.Phe755Cys (NM_001079846.1); c.2378T>G (NM_004380.2); short protein forms F755C, F793C.
Identifiers: ClinVar variation 4855093 (VCV004855093.2).